The following is an entry in ClinVar:

ClinVar aggregate classification (germline): Uncertain significance (1 of 4 stars; one submission).

Allele frequency attached by ClinVar (database versions not stated): gnomAD 0.00001.
gnomAD v4.1: 1 of 1,208,965 alleles (0.000083%); highest among the groups gnomAD compares: African/African-American, 0.0018%; no homozygotes.

Submission:

GeneDx
Classification: Uncertain significance. Last evaluated: 2022-11-29. Review status: criteria provided, single submitter. Criteria: GeneDx Variant Classification Process June 2021. Collection method: clinical testing. Allele origin: germline. Affected: yes.
Comment: Not observed at significant frequency in large population cohorts (gnomAD); In silico analysis supports that this missense variant does not alter protein structure/function; Has not been previously published as pathogenic or benign to our knowledge

NM_000381.4(MID1):c.325A>G (p.Asn109Asp)

Gene: MID1 (midline 1; minus strand). Cytogenetic location: Xp22.2.
Variant type: single nucleotide variant.
Coding change: c.325A>G on transcript NM_000381.4 (MANE Select); coding-DNA position 325, A replaced by G.
Protein change: p.Asn109Asp; replaces asparagine 109 with aspartic acid.
Molecular consequence: missense variant.
Genome position (GRCh38, 1-based): chrX:10,567,223, T>C on the plus strand (A>G on the coding strand, the complement: MID1 is on the minus strand). VCF-style: chrX-10567223-T-C. GRCh37 (hg19) VCF-style: chrX-10535263-T-C.
Other names: c.325A>G, p.Asn109Asp (NM_001098624.2, NM_001193277.1, NM_001193278.1 and 5 more transcripts); short protein forms N109D.
Identifiers: ClinVar variation 2504446 (VCV002504446.1), dbSNP rs1934585696, ClinGen allele CA412048614.
Genomic context (GRCh38, chrX:10,567,223, plus strand): 5'-CCTGGGCAGGATCCTGGTCACAAAACTGGCAGAGGACCTTCTCGGCGGAGGTCATGGTGT[T>C]GGCGTCAAAGGCCCGCTCCCGACGGGTCTCGCTGGGAGAGTTGGGCCCGCTCACTGATGC-3'
Protein context (NP_000372.1, residues 99-119): ETRRERAFDA[Asn109Asp]TMTSAEKVLC